The following is an entry in ClinVar:

NM_173076.3(ABCA12):c.6305A>T (p.Tyr2102Phe)

Genes: ABCA12 (ATP binding cassette subfamily A member 12; minus strand), SNHG31 (small nucleolar RNA host gene 31; plus strand). Cytogenetic location: 2q35.
Variant type: single nucleotide variant.
Coding change: c.6305A>T on transcript NM_173076.3 (MANE Select); coding-DNA position 6305, A replaced by T.
Protein change: p.Tyr2102Phe; replaces tyrosine 2102 with phenylalanine.
Molecular consequence: missense variant. On other transcripts: non-coding transcript variant (1).
Genome position (GRCh38, 1-based): chr2:214,955,290, T>A on the plus strand (A>T on the coding strand, the complement: ABCA12 is on the minus strand). VCF-style: chr2-214955290-T-A. GRCh37 (hg19) VCF-style: chr2-215820014-T-A.
Other names: c.5351A>T, p.Tyr1784Phe (NM_015657.4); short protein forms Y1784F, Y2102F.
Identifiers: ClinVar variation 1343754 (VCV001343754.5), dbSNP rs770806176, ClinGen allele CA2090938.
Genomic context (GRCh38, chr2:214,955,290, plus strand): 5'-AAGTATACCACTGACAGGGAAACAATGGAATTAATGCCAAAAAACAAGTTGACACAGACG[T>A]AAGTGATGAAGGCCATTCCTGTTTCATGGAAGAGCCCAGCCAGCAAGTACATCCAGGAAA-3'
Protein context (NP_775099.2, residues 2092-2112): FHETGMAFIT[Tyr2102Phe]VCVNLFFGIN

ClinVar aggregate classification (germline): Uncertain significance. Review status: criteria provided, multiple submitters, no conflicts (2 of 4 stars). 2 submissions from 2 submitters: Uncertain significance (2). Last evaluated 2025-09-22.

Conditions:
Inborn genetic diseases. Identifiers: MedGen C0950123, MeSH D030342.
Autosomal recessive congenital ichthyosis 4A (LI2). Also called: ICHTHYOSIS CONGENITA IIB. Identifiers: Orphanet 313, MedGen C1832550, MONDO:0011026, OMIM 601277.
Autosomal recessive congenital ichthyosis 4B (ARCI4B). Also called: Ichthyosis, congenital, autosomal recessive 4B (harlequin); ICHTHYOSIS CONGENITA, HARLEQUIN FETUS TYPE; HARLEQUIN ICHTHYOSIS; Harlequin Fetus. Identifiers: Orphanet 457, MedGen C0598226, MONDO:0009443, OMIM 242500.

Allele frequency attached by ClinVar (database versions not stated): gnomAD 0.00004 and 0.00003; gnomAD exomes 0.00004; ExAC 0.00004.
gnomAD v4.1: 144 of 1,613,984 alleles (0.0089%); highest among the groups gnomAD compares: Non-Finnish European, 0.012%; no homozygotes.

Submissions (2):

Ambry Genetics
Classification: Uncertain significance for Inborn genetic diseases. Last evaluated: 2025-09-22. Review status: criteria provided, single submitter. Criteria: Ambry Variant Classification Scheme 2023. Collection method: clinical testing. Allele origin: germline.

Women's Health and Genetics/Laboratory Corporation of America, LabCorp
Classification: Uncertain significance. Last evaluated: 2022-02-18. Review status: criteria provided, single submitter. Criteria: LabCorp Variant Classification Summary - May 2015. Collection method: clinical testing. Allele origin: germline.